The following is an entry in ClinVar:

NM_017617.5(NOTCH1):c.3404C>T (p.Ala1135Val)

Gene: NOTCH1 (notch receptor 1; minus strand). Cytogenetic location: 9q34.3.
Variant type: single nucleotide variant.
Coding change: c.3404C>T on transcript NM_017617.5 (MANE Select); coding-DNA position 3404, C replaced by T.
Protein change: p.Ala1135Val; replaces alanine 1135 with valine.
Molecular consequence: missense variant.
Genome position (GRCh38, 1-based): chr9:136,508,061, G>A on the plus strand (C>T on the coding strand, the complement: NOTCH1 is on the minus strand). VCF-style: chr9-136508061-G-A. GRCh37 (hg19) VCF-style: chr9-139402513-G-A.
Other names: short protein forms A1135V.
Identifiers: ClinVar variation 1019643 (VCV001019643.15), dbSNP rs370300490, ClinGen allele CA5340933.

ClinVar aggregate classification (germline): Conflicting classifications of pathogenicity. Review status: criteria provided, conflicting classifications (1 of 4 stars). 6 submissions from 5 submitters: Uncertain significance (4); Likely benign (2). Last evaluated 2025-11-21.

Conditions:
Adams-Oliver syndrome 5 (AOS5). Identifiers: Orphanet 974, MedGen C4014970, MONDO:0014459, OMIM 616028.
Aortic valve disease 1 (AOVD1). Identifiers: MedGen C3887892, MONDO:0024523, OMIM 109730.
Familial thoracic aortic aneurysm and aortic dissection (TAAD). Also called: Thoracic aortic aneurysms and dissections. Identifiers: Orphanet 91387, MedGen C4707243, MONDO:0019625.

Allele frequency attached by ClinVar (database versions not stated): ExAC 0.00001; gnomAD 0.00001; gnomAD exomes 0.00002; TOPMed 0.00003; ESP Exome Variant Server 0.00008.
gnomAD v4.1: 46 of 1,611,116 alleles (0.0029%); highest among the groups gnomAD compares: African/African-American, 0.0053%; no homozygotes.

Submissions (6):

Labcorp Genetics (formerly Invitae), Labcorp
Classification: Likely benign for Adams-Oliver syndrome 5. Last evaluated: 2025-11-21. Review status: criteria provided, single submitter. Criteria: Invitae Variant Classification Sherloc (09022015). Collection method: clinical testing. Allele origin: germline.

Ambry Genetics
Classification: Uncertain significance for Familial thoracic aortic aneurysm and aortic dissection. Last evaluated: 2025-07-03. Review status: criteria provided, single submitter. Criteria: Ambry Variant Classification Scheme 2023. Collection method: clinical testing. Allele origin: germline.
Comment: The p.A1135V variant (also known as c.3404C>T), located in coding exon 21 of the NOTCH1 gene, results from a C to T substitution at nucleotide position 3404. The alanine at codon 1135 is replaced by valine, an amino acid with similar properties. This amino acid position is conserved. In addition, this alteration is predicted to be tolerated by in silico analysis. Since supporting evidence is limited at this time, the clinical significance of this alteration remains unclear.

Women's Health and Genetics/Laboratory Corporation of America, LabCorp
Classification: Likely benign. Last evaluated: 2024-08-20. Review status: criteria provided, single submitter. Criteria: LabCorp Variant Classification Summary - May 2015. Collection method: clinical testing. Allele origin: germline.
Comment: Variant summary: NOTCH1 c.3404C>T (p.Ala1135Val) results in a non-conservative amino acid change located in the EGF-like domain (IPR000742) of the encoded protein sequence. Three of five in-silico tools predict a damaging effect of the variant on protein function. The variant allele was found at a frequency of 2.9e-05 in 1611116 control chromosomes. The observed variant frequency is approximately 45.68 fold of the estimated maximal expected allele frequency for a pathogenic variant in NOTCH1 causing Adams-Oliver Syndrome 5 phenotype (6.3e-07). To our knowledge, no occurrence of c.3404C>T in individuals affected with Adams-Oliver Syndrome 5 and no experimental evidence demonstrating its impact on protein function have been reported. ClinVar contains an entry for this variant (Variation ID: 1019643). Based on the evidence outlined above, the variant was classified as likely benign.

GeneDx
Classification: Uncertain significance. Last evaluated: 2022-04-13. Review status: criteria provided, single submitter. Criteria: GeneDx Variant Classification Process June 2021. Collection method: clinical testing. Allele origin: germline. Affected: yes.
Comment: Has not been previously published as pathogenic or benign to our knowledge; Not observed at a significant frequency in large population cohorts (gnomAD); At the protein level, in silico analysis supports that this missense variant does not alter protein structure/function; At the RNA level, in silico analysis suggests this variant may impact gene splicing. In the absence of RNA/functional studies, the actual effect of this sequence change is unknown.

Genome-Nilou Lab
Classification: Uncertain significance for Adams-Oliver syndrome 5. Last evaluated: 2022-03-15. Review status: criteria provided, single submitter. Criteria: ACMG Guidelines, 2015. Collection method: clinical testing. Allele origin: germline. Affected: no.

Genome-Nilou Lab
Classification: Uncertain significance for Aortic valve disease 1. Last evaluated: 2022-03-15. Review status: criteria provided, single submitter. Criteria: ACMG Guidelines, 2015. Collection method: clinical testing. Allele origin: germline. Affected: no.